The following is an entry in ClinVar:

NM_152703.5(SAMD9L):c.217A>G (p.Asn73Asp)

Gene: SAMD9L (sterile alpha motif domain containing 9 like; minus strand). Cytogenetic location: 7q21.2.
Variant type: single nucleotide variant.
Coding change: c.217A>G on transcript NM_152703.5 (MANE Select); coding-DNA position 217, A replaced by G.
Protein change: p.Asn73Asp; replaces asparagine 73 with aspartic acid.
Molecular consequence: missense variant.
Genome position (GRCh38, 1-based): chr7:93,135,755, T>C on the plus strand (A>G on the coding strand, the complement: SAMD9L is on the minus strand). VCF-style: chr7-93135755-T-C. GRCh37 (hg19) VCF-style: chr7-92765068-T-C.
Other names: c.217A>G, p.Asn73Asp (NM_001303496.3, NM_001303497.3, NM_001303498.3 and 5 more transcripts); short protein forms N73D.
Identifiers: ClinVar variation 4696665 (VCV004696665.1).
Genomic context (GRCh38, chr7:93,135,755, plus strand): 5'-AATTATCTAATTGTCCCGGATCATGATTGTCACTTTCAGGGGACTTACTATTCAATTTGT[T>C]GTATGAACGTTTTATCAAAAGTGCTGGACCCCATGGTAGCCCCATTTCTACAAGGTCCTT-3'
Protein context (NP_689916.2, residues 63-83): GPALLIKRSY[Asn73Asp]KLNSKSPESD

ClinVar aggregate classification (germline): Uncertain significance (1 of 4 stars; one submission).

gnomAD v4.1: 7 of 1,614,040 alleles (0.00043%); highest among the groups gnomAD compares: Non-Finnish European, 0.00059%; no homozygotes.

Submission:

Labcorp Genetics (formerly Invitae), Labcorp
Classification: Uncertain significance. Last evaluated: 2025-10-27. Review status: criteria provided, single submitter. Criteria: Invitae Variant Classification Sherloc (09022015). Collection method: clinical testing. Allele origin: germline.
Comment: This sequence change replaces asparagine, which is neutral and polar, with aspartic acid, which is acidic and polar, at codon 73 of the SAMD9L protein (p.Asn73Asp). This variant is present in population databases (no rsID available, gnomAD 0.002%). This variant has not been reported in the literature in individuals affected with SAMD9L-related conditions. An algorithm developed to predict the effect of missense changes on protein structure and function outputs the following: PolyPhen-2: "Benign". The aspartic acid amino acid residue is found in multiple mammalian species, which suggests that this missense change does not adversely affect protein function. In summary, the available evidence is currently insufficient to determine the role of this variant in disease. Therefore, it has been classified as a Variant of Uncertain Significance.